The following is an entry in ClinVar:

ClinVar aggregate classification (germline): Likely benign (1 of 4 stars; one submission).

Allele frequency attached by ClinVar (database versions not stated): ExAC 0.00008; gnomAD 0.00009; TOPMed 0.00010; gnomAD exomes 0.00021; ESP Exome Variant Server 0.00033.

Submission:

CeGaT Center for Human Genetics Tuebingen
Classification: Likely benign. Last evaluated: 2023-02-01. Review status: criteria provided, single submitter. Criteria: CeGaT Center For Human Genetics Tuebingen Variant Classification Criteria Version 2. Collection method: clinical testing. Allele origin: germline. Affected: yes. Observed: 1 variant allele.
Comment: NLRC3: BP4, BP7

NM_178844.4(NLRC3):c.417G>A (p.Arg139=)

Gene: NLRC3 (NLR family CARD domain containing 3; minus strand). Cytogenetic location: 16p13.3.
Variant type: single nucleotide variant.
Coding change: c.417G>A on transcript NM_178844.4 (MANE Select); coding-DNA position 417, G replaced by A.
Protein change: p.Arg139=; no amino-acid change (arginine 139 retained).
Molecular consequence: synonymous variant. On other transcripts: non-coding transcript variant (1).
Genome position (GRCh38, 1-based): chr16:3,564,520, C>T on the plus strand (G>A on the coding strand, the complement: NLRC3 is on the minus strand). VCF-style: chr16-3564520-C-T. GRCh37 (hg19) VCF-style: chr16-3614521-C-T.
Identifiers: ClinVar variation 2646109 (VCV002646109.24), dbSNP rs369565075, ClinGen allele CA7865083.